The following is an entry in ClinVar:

ClinVar aggregate classification (germline): Uncertain significance (1 of 4 stars; one submission).

gnomAD v4.1: 1 of 1,611,752 alleles (0.000062%); highest among the groups gnomAD compares: Admixed American, 0.0017%; no homozygotes.

Submission:

Labcorp Genetics (formerly Invitae), Labcorp
Classification: Uncertain significance. Last evaluated: 2025-06-12. Review status: criteria provided, single submitter. Criteria: Invitae Variant Classification Sherloc (09022015). Collection method: clinical testing. Allele origin: germline.
Comment: This sequence change replaces proline, which is neutral and non-polar, with serine, which is neutral and polar, at codon 751 of the CNNM2 protein (p.Pro751Ser). This variant is not present in population databases (gnomAD no frequency). This variant has not been reported in the literature in individuals affected with CNNM2-related conditions. ClinVar contains an entry for this variant (Variation ID: 3684123). Invitae Evidence Modeling of protein sequence and biophysical properties (such as structural, functional, and spatial information, amino acid conservation, physicochemical variation, residue mobility, and thermodynamic stability) indicates that this missense variant is not expected to disrupt CNNM2 protein function with a negative predictive value of 80%. In summary, the available evidence is currently insufficient to determine the role of this variant in disease. Therefore, it has been classified as a Variant of Uncertain Significance.

NM_017649.5(CNNM2):c.2251C>T (p.Pro751Ser)

Gene: CNNM2 (cyclin and CBS domain divalent metal cation transport mediator 2; plus strand). Cytogenetic location: 10q24.32.
Variant type: single nucleotide variant.
Coding change: c.2251C>T on transcript NM_017649.5 (MANE Select); coding-DNA position 2251, C replaced by T.
Protein change: p.Pro751Ser; replaces proline 751 with serine.
Molecular consequence: missense variant.
Genome position (GRCh38, 1-based): chr10:103,076,103, C>T. VCF-style: chr10-103076103-C-T. GRCh37 (hg19) VCF-style: chr10-104835860-C-T.
Other names: c.2185C>T, p.Pro729Ser (NM_199076.3); short protein forms P751S, P729S.
Identifiers: ClinVar variation 3684123 (VCV003684123.2).